The following is an entry in ClinVar:

ClinVar aggregate classification (germline): Uncertain significance (1 of 4 stars; one submission).

Allele frequency attached by ClinVar (database versions not stated): gnomAD 0.00001.
gnomAD v4.1: 1 of 1,613,712 alleles (0.000062%); highest among the groups gnomAD compares: Non-Finnish European, 0.000085%; no homozygotes.

Submission:

Labcorp Genetics (formerly Invitae), Labcorp
Classification: Uncertain significance. Last evaluated: 2022-07-19. Review status: criteria provided, single submitter. Criteria: Invitae Variant Classification Sherloc (09022015). Collection method: clinical testing. Allele origin: germline.
Comment: In summary, the available evidence is currently insufficient to determine the role of this variant in disease. Therefore, it has been classified as a Variant of Uncertain Significance. Algorithms developed to predict the effect of missense changes on protein structure and function (SIFT, PolyPhen-2, Align-GVGD) all suggest that this variant is likely to be tolerated. ClinVar contains an entry for this variant (Variation ID: 1406996). This variant has not been reported in the literature in individuals affected with RUSC2-related conditions. This variant is not present in population databases (gnomAD no frequency). This sequence change replaces glutamic acid, which is acidic and polar, with glutamine, which is neutral and polar, at codon 1245 of the RUSC2 protein (p.Glu1245Gln).

NM_014806.5(RUSC2):c.3733G>C (p.Glu1245Gln)

Gene: RUSC2 (RUN and SH3 domain containing 2; plus strand). Cytogenetic location: 9p13.3.
Variant type: single nucleotide variant.
Coding change: c.3733G>C on transcript NM_014806.5 (MANE Select); coding-DNA position 3733, G replaced by C.
Protein change: p.Glu1245Gln; replaces glutamic acid 1245 with glutamine.
Molecular consequence: missense variant. On other transcripts: non-coding transcript variant (1).
Genome position (GRCh38, 1-based): chr9:35,560,373, G>C. VCF-style: chr9-35560373-G-C. GRCh37 (hg19) VCF-style: chr9-35560370-G-C.
Other names: c.3733G>C, p.Glu1245Gln (NM_001135999.2); c.1099G>C, p.Glu367Gln (NM_001330740.2); short protein forms E367Q, E1245Q.
Identifiers: ClinVar variation 1406996 (VCV001406996.8), dbSNP rs757283440, ClinGen allele CA373354570.